The following is an entry in ClinVar:

ClinVar aggregate classification (germline): Uncertain significance (1 of 4 stars; one submission).

Allele frequency attached by ClinVar (database versions not stated): TOPMed below 0.00001; gnomAD exomes 0.00001 and 0.00002; ExAC 0.00003; gnomAD 0.00003; 1000 Genomes Project 30x 0.00016; 1000 Genomes Project 0.00020.
gnomAD v4.1: 21 of 1,614,066 alleles (0.0013%); highest among the groups gnomAD compares: South Asian, 0.02%; 1 homozygote.

Submission:

Labcorp Genetics (formerly Invitae), Labcorp
Classification: Uncertain significance. Last evaluated: 2024-04-22. Review status: criteria provided, single submitter. Criteria: Invitae Variant Classification Sherloc (09022015). Collection method: clinical testing. Allele origin: germline.
Comment: This sequence change replaces serine, which is neutral and polar, with phenylalanine, which is neutral and non-polar, at codon 836 of the C6 protein (p.Ser836Phe). This variant is present in population databases (rs546595899, gnomAD 0.02%). This variant has not been reported in the literature in individuals affected with C6-related conditions. ClinVar contains an entry for this variant (Variation ID: 1384373). An algorithm developed to predict the effect of missense changes on protein structure and function (PolyPhen-2) suggests that this variant is likely to be disruptive. In summary, the available evidence is currently insufficient to determine the role of this variant in disease. Therefore, it has been classified as a Variant of Uncertain Significance.

NM_000065.5(C6):c.2507C>T (p.Ser836Phe)

Gene: C6 (complement C6; minus strand). Cytogenetic location: 5p13.1.
Variant type: single nucleotide variant.
Coding change: c.2507C>T on transcript NM_000065.5 (MANE Select); coding-DNA position 2507, C replaced by T.
Protein change: p.Ser836Phe; replaces serine 836 with phenylalanine.
Molecular consequence: missense variant.
Genome position (GRCh38, 1-based): chr5:41,149,357, G>A on the plus strand (C>T on the coding strand, the complement: C6 is on the minus strand). VCF-style: chr5-41149357-G-A. GRCh37 (hg19) VCF-style: chr5-41149459-G-A.
Other names: c.2507C>T, p.Ser836Phe (NM_001115131.4); short protein forms S836F.
Identifiers: ClinVar variation 1384373 (VCV001384373.6), dbSNP rs546595899, ClinGen allele CA3252093.